The following is an entry in ClinVar:

ClinVar aggregate classification (germline): Likely pathogenic (1 of 4 stars; one submission).

Conditions:
Sphingolipid activator protein 1 deficiency. Also called: Metachromatic leukodystrophy due to saposin B deficiency; METACHROMATIC LEUKODYSTROPHY DUE TO CEREBROSIDE SULFATASE ACTIVATOR DEFICIENCY; Saposin B Deficiency. Identifiers: Orphanet 512, MedGen C0268262, MONDO:0009590, OMIM 249900.

Submission:

Labcorp Genetics (formerly Invitae), Labcorp
Classification: Likely pathogenic for Sphingolipid activator protein 1 deficiency. Last evaluated: 2022-10-05. Review status: criteria provided, single submitter. Criteria: Invitae Variant Classification Sherloc (09022015). Collection method: clinical testing. Allele origin: germline.
Comment: This sequence change affects a donor splice site in intron 9 of the PSAP gene. It is expected to disrupt RNA splicing. Variants that disrupt the donor or acceptor splice site typically lead to a loss of protein function (PMID: 16199547), and loss-of-function variants in PSAP are known to be pathogenic (PMID: 8554069, 11309366, 17616409, 19267410, 30632081). This variant is not present in population databases (gnomAD no frequency). This variant has not been reported in the literature in individuals affected with PSAP-related conditions. Algorithms developed to predict the effect of sequence changes on RNA splicing suggest that this variant may disrupt the consensus splice site. In summary, the currently available evidence indicates that the variant is pathogenic, but additional data are needed to prove that conclusively. Therefore, this variant has been classified as Likely Pathogenic.

Literature cited by the submitters: PubMed 16199547; PubMed 8554069; PubMed 11309366; PubMed 17616409; PubMed 19267410; PubMed 30632081.

NM_002778.4(PSAP):c.1005+1G>C

Gene: PSAP (prosaposin; minus strand). Cytogenetic location: 10q22.1.
Variant type: single nucleotide variant.
Coding change: c.1005+1G>C on transcript NM_002778.4 (MANE Select); the canonical splice donor site of the intron after coding-DNA position 1005, G replaced by C.
Molecular consequence: splice donor variant.
Genome position (GRCh38, 1-based): chr10:71,820,239, C>G on the plus strand (G>C on the coding strand, the complement: PSAP is on the minus strand). VCF-style: chr10-71820239-C-G. GRCh37 (hg19) VCF-style: chr10-73579996-C-G.
Other names: c.1011+1G>C (NM_001042466.3); c.1014+1G>C (NM_001042465.3).
Identifiers: ClinVar variation 2034190 (VCV002034190.4), dbSNP rs113365744, ClinGen allele CA209455673.